The following is an entry in ClinVar:

ClinVar aggregate classification (germline): Uncertain significance (1 of 4 stars; one submission).

Submission:

Labcorp Genetics (formerly Invitae), Labcorp
Classification: Uncertain significance. Last evaluated: 2021-04-22. Review status: criteria provided, single submitter. Criteria: Invitae Variant Classification Sherloc (09022015). Collection method: clinical testing. Allele origin: germline.
Comment: This sequence change affects codon 1312 of the COL4A5 mRNA. It is a 'silent' change, meaning that it does not change the encoded amino acid sequence of the COL4A5 protein. This variant is not present in population databases (ExAC no frequency). This variant has not been reported in the literature in individuals with COL4A5-related conditions. Algorithms developed to predict the effect of sequence changes on RNA splicing suggest that this variant may create or strengthen a splice site, but this prediction has not been confirmed by published transcriptional studies. In summary, the available evidence is currently insufficient to determine the role of this variant in disease. Therefore, it has been classified as a Variant of Uncertain Significance.

NM_033380.3(COL4A5):c.3954C>T (p.Gly1318=)

Gene: COL4A5 (collagen type IV alpha 5 chain; plus strand). Cytogenetic location: Xq22.3.
Variant type: single nucleotide variant.
Coding change: c.3954C>T on transcript NM_033380.3 (MANE Select); coding-DNA position 3954, C replaced by T.
Protein change: p.Gly1318=; no amino-acid change (glycine 1318 retained).
Molecular consequence: synonymous variant.
Genome position (GRCh38, 1-based): chrX:108,680,690, C>T. VCF-style: chrX-108680690-C-T. GRCh37 (hg19) VCF-style: chrX-107923920-C-T.
Other names: c.3936C>T, p.Gly1312= (NM_000495.5).
Identifiers: ClinVar variation 1945374 (VCV001945374.2), dbSNP rs2524611855, ClinGen allele CA517923584.